The following is an entry in ClinVar:

NC_000016.9:g.(?_89167090)_(89883023_?)dup

Genes: CDK10 (cyclin dependent kinase 10; plus strand), RPL13 (ribosomal protein L13; plus strand), SLC22A31 (solute carrier family 22 member 31; minus strand), SPATA2L (spermatogenesis associated 2 like; minus strand), SPATA33 (spermatogenesis associated 33; plus strand) and 12 more. Cytogenetic location: 16q24.3.
Variant type: Duplication.
Identifiers: ClinVar variation 2425847 (VCV002425847.4).

ClinVar aggregate classification (germline): Uncertain significance (1 of 4 stars; one submission).

Conditions:
KBG syndrome (KBGS). Also called: ANKRD11-Related KBG Syndrome. Identifiers: Orphanet 2332, MedGen C0220687, MONDO:0007846, OMIM 148050.

Submission:

Labcorp Genetics (formerly Invitae), Labcorp
Classification: Uncertain significance for KBG syndrome. Last evaluated: 2022-10-13. Review status: criteria provided, single submitter. Criteria: Invitae Variant Classification Sherloc (09022015). Collection method: clinical testing. Allele origin: germline.
Comment: A copy number gain of the genomic region encompassing the full coding sequence of the ANKRD11 gene has been identified. The boundaries of this event are unknown as they extend beyond the assayed region for this gene and therefore may encompass additional genes. As the precise location of this event is unknown, it may be in tandem or it may be located elsewhere in the genome. Isolated whole-gene copy number gains of ANKRD11 have not been reported in the literature. However, larger copy number events that include this gene have been reported (PMID: 31602316). In summary, the available evidence is currently insufficient to determine the role of this variant in disease. Therefore, it has been classified as a Variant of Uncertain Significance.

Literature cited by the submitters: PubMed 31602316.